The following is an entry in ClinVar:

NM_003906.5(MCM3AP):c.5366_5369del (p.Pro1789fs)

Genes: MCM3AP (minichromosome maintenance complex component 3 associated protein; minus strand), MCM3AP-AS1 (MCM3AP antisense RNA 1; plus strand). Cytogenetic location: 21q22.3.
Variant type: Deletion.
Coding change: c.5366_5369del on transcript NM_003906.5 (MANE Select); coding-DNA positions 5366 to 5369, 4 bases deleted (CTTT; older notation c.5366_5369delCTTT).
Protein change: p.Pro1789fs; shifts the reading frame from proline 1789.
Molecular consequence: frameshift variant. On other transcripts: non-coding transcript variant (2).
Genome position (GRCh38, 1-based): chr21:46,242,859-46,242,862, AAAG deleted on the plus strand (CTTT on the coding strand, the reverse complement: MCM3AP is on the minus strand). VCF-style (leftmost placement, unchanged base first): chr21-46242858-CAAAG-C. GRCh37 (hg19) VCF-style: chr21-47662772-CAAAG-C.
Other names: short protein forms P1789fs.
Identifiers: ClinVar variation 1978760 (VCV001978760.4), dbSNP rs2517305221, ClinGen allele CA2577631645.
Genomic context (GRCh38, chr21:46,242,858, plus strand): 5'-TCACCGTCCCTCTCTCAGCTGTAGCTCCTTCTGCGTCTGCAACCTGGCTTGTTCCCACGA[CAAAG>C]GAACATCATATTTTTTCAAATCGTTTTTAAAAAAATACACACATATCTGACCATCTTCAC-3'

ClinVar aggregate classification (germline): Pathogenic (1 of 4 stars; one submission).

Submission:

Labcorp Genetics (formerly Invitae), Labcorp
Classification: Pathogenic. Last evaluated: 2022-03-25. Review status: criteria provided, single submitter. Criteria: Invitae Variant Classification Sherloc (09022015). Collection method: clinical testing. Allele origin: germline.
Comment: For these reasons, this variant has been classified as Pathogenic. Algorithms developed to predict the effect of sequence changes on RNA splicing suggest that this variant may create or strengthen a splice site. This variant has not been reported in the literature in individuals affected with MCM3AP-related conditions. This variant is not present in population databases (gnomAD no frequency). This sequence change creates a premature translational stop signal (p.Pro1789Argfs*16) in the MCM3AP gene. It is expected to result in an absent or disrupted protein product. Loss-of-function variants in MCM3AP are known to be pathogenic (PMID: 28633435).

Literature cited by the submitters: PubMed 28633435.